The following is an entry in ClinVar:

NM_015272.5(RPGRIP1L):c.1829A>C (p.His610Pro)

Gene: RPGRIP1L (RPGRIP1 like; minus strand). Cytogenetic location: 16q12.2.
Variant type: single nucleotide variant.
Coding change: c.1829A>C on transcript NM_015272.5 (MANE Select); coding-DNA position 1829, A replaced by C.
Protein change: p.His610Pro; replaces histidine 610 with proline.
Molecular consequence: missense variant.
Genome position (GRCh38, 1-based): chr16:53,652,858, T>G on the plus strand (A>C on the coding strand, the complement: RPGRIP1L is on the minus strand). VCF-style: chr16-53652858-T-G. GRCh37 (hg19) VCF-style: chr16-53686770-T-G.
Other names: c.1829A>C, p.His610Pro (NM_001127897.4, NM_001308334.3, NM_001330538.2); c.1829A>C (NM_015272.4); short protein forms H610P.
Identifiers: ClinVar variation 56561 (VCV000056561.5), dbSNP rs386833997, ClinGen allele CA144362.

ClinVar aggregate classification (germline): Conflicting classifications of pathogenicity. Review status: criteria provided, conflicting classifications (1 of 4 stars). 3 submissions from 3 submitters: Likely pathogenic (1); Uncertain significance (1). 1 of the submissions does not count toward it. Last evaluated 2024-03-27.

Conditions:
Meckel-Gruber syndrome. Also called: DYSENCEPHALIA SPLANCHNOCYSTICA; GRUBER SYNDROME; Dysencephalia splachnocystica. Identifiers: Orphanet 564, MedGen C0265215, MONDO:0018921.
Joubert syndrome. Also called: CEREBELLOPARENCHYMAL DISORDER IV; JOUBERT-BOLTSHAUSER SYNDROME; Familial aplasia of the vermis. Identifiers: Orphanet 475, MedGen C5979921, MONDO:0018772.
Meckel syndrome, type 5 (MKS5). Identifiers: Orphanet 564, MedGen C1969052, MONDO:0012695, OMIM 611561.

gnomAD v4.1: 12 of 1,613,034 alleles (0.00074%); highest among the groups gnomAD compares: Admixed American, 0.0017%; no homozygotes.

Submissions (3):

Natera, Inc.
Classification: Likely pathogenic for Joubert syndrome. Last evaluated: 2024-03-27. Review status: criteria provided, single submitter. Criteria: Natera Variant Classification Schema (03/2026). Collection method: clinical testing. Allele origin: germline.
Comment: The c.1829A>C variant in RPGRIP1L is a missense variant predicted to cause substitution of histidine to proline at amino acid 610. This variant is rare in the general population with a frequency below the threshold expected for the associated phenotype(s). This variant has been observed in one or more individuals affected with the associated recessive disease, as either homozygous or compound heterozygous with a second variant (PMID: 21068128). Additionally, this variant has been observed to segregate in affected family members (PMID: 21068128). Computational prediction algorithms indicate this variant is likely to affect gene or protein function. Given the available evidence, this variant is classified as Likely Pathogenic.

Labcorp Genetics (formerly Invitae), Labcorp
Classification: Uncertain significance for Joubert syndrome; Meckel-Gruber syndrome. Last evaluated: 2022-02-24. Review status: criteria provided, single submitter. Criteria: Invitae Variant Classification Sherloc (09022015). Collection method: clinical testing. Allele origin: germline.
Comment: This sequence change replaces histidine, which is basic and polar, with proline, which is neutral and non-polar, at codon 610 of the RPGRIP1L protein (p.His610Pro). This variant is present in population databases (rs386833997, gnomAD 0.003%). This missense change has been observed in individual(s) with Meckel-Gruber syndrome (PMID: 21068128). ClinVar contains an entry for this variant (Variation ID: 56561). Algorithms developed to predict the effect of missense changes on protein structure and function (SIFT, PolyPhen-2, Align-GVGD) all suggest that this variant is likely to be disruptive. In summary, the available evidence is currently insufficient to determine the role of this variant in disease. Therefore, it has been classified as a Variant of Uncertain Significance.

Juha Muilu Group; Institute for Molecular Medicine Finland (FIMM)
Classification: Likely pathogenic for Meckel syndrome type 5. Review status: no assertion criteria provided. Collection method: not provided. Allele origin: unknown. Not counted in ClinVar's aggregate classification.
Comment: FinDis database variant: This variant was not found or characterized by our laboratory, data were collected from public sources: see reference
ClinVar note: Converted during submission from probable-pathogenic to Likely pathogenic.

Literature cited by the submitters: PubMed 21068128 (cited by Natera, Inc. and Labcorp Genetics (formerly Invitae), Labcorp).